The following is an entry in ClinVar:

NM_005996.4(TBX3):c.650A>G (p.His217Arg)

Gene: TBX3 (T-box transcription factor 3; minus strand). Cytogenetic location: 12q24.21.
Variant type: single nucleotide variant.
Coding change: c.650A>G on transcript NM_005996.4 (MANE Select); coding-DNA position 650, A replaced by G.
Protein change: p.His217Arg; replaces histidine 217 with arginine.
Molecular consequence: missense variant.
Genome position (GRCh38, 1-based): chr12:114,680,886, T>C on the plus strand (A>G on the coding strand, the complement: TBX3 is on the minus strand). VCF-style: chr12-114680886-T-C. GRCh37 (hg19) VCF-style: chr12-115118691-T-C.
Other names: c.650A>G, p.His217Arg (NM_016569.4); short protein forms H217R.
Identifiers: ClinVar variation 3346411 (VCV003346411.1).

ClinVar aggregate classification (germline): Uncertain significance (0 of 4 stars; one submission).

Conditions:
TBX3-related disorder. Also called: TBX3-related condition.

Submission:

PreventionGenetics, part of Exact Sciences
Classification: Uncertain significance for TBX3-related condition. Last evaluated: 2024-08-30. Review status: no assertion criteria provided. Collection method: clinical testing. Allele origin: germline.
Comment: The TBX3 c.650A>G variant is predicted to result in the amino acid substitution p.His217Arg. To our knowledge, this variant has not been reported in the literature. This variant is reported in 0.00088% of alleles in individuals of European (Non-Finnish) descent in gnomAD. At this time, the clinical significance of this variant is uncertain due to the absence of conclusive functional and genetic evidence.